The following is an entry in ClinVar:

ClinVar aggregate classification (germline): Uncertain significance (1 of 4 stars; one submission).

Conditions:
Joubert syndrome. Also called: CEREBELLOPARENCHYMAL DISORDER IV; JOUBERT-BOLTSHAUSER SYNDROME; Familial aplasia of the vermis. Identifiers: Orphanet 475, MedGen C5979921, MONDO:0018772.

Submission:

Labcorp Genetics (formerly Invitae), Labcorp
Classification: Uncertain significance for Joubert syndrome. Last evaluated: 2022-07-26. Review status: criteria provided, single submitter. Criteria: Invitae Variant Classification Sherloc (09022015). Collection method: clinical testing. Allele origin: germline.
Comment: This variant is not present in population databases (gnomAD no frequency). In summary, the available evidence is currently insufficient to determine the role of this variant in disease. Therefore, it has been classified as a Variant of Uncertain Significance. Advanced modeling of protein sequence and biophysical properties (such as structural, functional, and spatial information, amino acid conservation, physicochemical variation, residue mobility, and thermodynamic stability) performed at Invitae indicates that this missense variant is not expected to disrupt AHI1 protein function. ClinVar contains an entry for this variant (Variation ID: 1441594). This variant has not been reported in the literature in individuals affected with AHI1-related conditions. This sequence change replaces arginine, which is basic and polar, with proline, which is neutral and non-polar, at codon 645 of the AHI1 protein (p.Arg645Pro).

NM_001134831.2(AHI1):c.1934G>C (p.Arg645Pro)

Gene: AHI1 (Abelson helper integration site 1; minus strand). Cytogenetic location: 6q23.3.
Variant type: single nucleotide variant.
Coding change: c.1934G>C on transcript NM_001134831.2 (MANE Select); coding-DNA position 1934, G replaced by C.
Protein change: p.Arg645Pro; replaces arginine 645 with proline.
Molecular consequence: missense variant.
Genome position (GRCh38, 1-based): chr6:135,438,477, C>G on the plus strand (G>C on the coding strand, the complement: AHI1 is on the minus strand). VCF-style: chr6-135438477-C-G. GRCh37 (hg19) VCF-style: chr6-135759615-C-G.
Other names: c.1934G>C, p.Arg645Pro (NM_001134830.2, NM_001134832.2, NM_001350503.2 and 2 more transcripts); short protein forms R645P.
Identifiers: ClinVar variation 1441594 (VCV001441594.8), dbSNP rs772513002, ClinGen allele CA365744353.